The following is an entry in ClinVar:

NM_001009944.3(PKD1):c.12445-1G>C

Genes: MIR1225 (microRNA 1225; minus strand), PKD1 (polycystin 1, transient receptor potential channel interacting; minus strand). Cytogenetic location: 16p13.3.
Variant type: single nucleotide variant.
Coding change: c.12445-1G>C on transcript NM_001009944.3 (MANE Select); the canonical splice acceptor site of the intron before coding-DNA position 12445, G replaced by C.
Molecular consequence: splice acceptor variant. On other transcripts: non-coding transcript variant (1).
Genome position (GRCh38, 1-based): chr16:2,090,195, C>G on the plus strand (G>C on the coding strand, the complement: PKD1 is on the minus strand). VCF-style: chr16-2090195-C-G. GRCh37 (hg19) VCF-style: chr16-2140196-C-G.
Other names: c.12442-1G>C (NM_000296.4).
Identifiers: ClinVar variation 3383079 (VCV003383079.2).
Genomic context (GRCh38, chr16:2,090,195, plus strand): 5'-GCCCCTGGAGGAGCGAGAGGGCAGCGGCTCCATCCCTTCAAAGCGGACTTTGTGGCGGAA[C>G]TGGGGGCGGCACAGGGGCTCAGTCAGTCCGGCTGCACCCTGGGCAGAGCCCAGGGCGTGT-3'

ClinVar aggregate classification (germline): Likely pathogenic (1 of 4 stars; one submission).

Conditions:
Polycystic kidney disease, adult type (PKD1). Also called: POLYCYSTIC KIDNEY DISEASE, ADULT, TYPE I; Polycystic Kidney Disease 1, Autosomal Dominant; Polycystic kidney disease 1; Polycystic kidney disease 1, severe; Polycystic Kidney, Autosomal Dominant; POLYCYSTIC KIDNEY DISEASE 1 WITH OR WITHOUT POLYCYSTIC LIVER DISEASE. Identifiers: MedGen C3149841, MONDO:0008263, OMIM 173900.

Submission:

Juno Genomics, Hangzhou Juno Genomics, Inc
Classification: Likely pathogenic for Polycystic kidney disease, adult type. Review status: criteria provided, single submitter. Criteria: ACMG Guidelines, 2015. Collection method: clinical testing. Allele origin: germline. Affected: yes.
Comment: Null variant in a gene where loss of function (LOF) is a known mechanism of disease.;Absent from controls (or at extremely low frequency if recessive) in Genome Aggregation Database, Exome Sequencing Project, 1000 Genomes Project, or Exome Aggregation Consortium.;Patient's phenotype or family history is highly specific for a disease with a single genetic etiology.